The following is an entry in ClinVar:

ClinVar aggregate classification (germline): Uncertain significance (1 of 4 stars; one submission).

Allele frequency attached by ClinVar (database versions not stated): gnomAD exomes below 0.00001 and 0.00002; ExAC 0.00003.
gnomAD v4.1: 7 of 1,614,030 alleles (0.00043%); highest among the groups gnomAD compares: Admixed American, 0.0017%; no homozygotes.

Submission:

Labcorp Genetics (formerly Invitae), Labcorp
Classification: Uncertain significance. Last evaluated: 2022-09-13. Review status: criteria provided, single submitter. Criteria: Invitae Variant Classification Sherloc (09022015). Collection method: clinical testing. Allele origin: germline.
Comment: This sequence change replaces glutamine, which is neutral and polar, with arginine, which is basic and polar, at codon 263 of the IDH3B protein (p.Gln263Arg). This variant is present in population databases (rs763344876, gnomAD 0.004%). This variant has not been reported in the literature in individuals affected with IDH3B-related conditions. ClinVar contains an entry for this variant (Variation ID: 1525936). Advanced modeling of protein sequence and biophysical properties (such as structural, functional, and spatial information, amino acid conservation, physicochemical variation, residue mobility, and thermodynamic stability) performed at Invitae indicates that this missense variant is not expected to disrupt IDH3B protein function. In summary, the available evidence is currently insufficient to determine the role of this variant in disease. Therefore, it has been classified as a Variant of Uncertain Significance.

NM_006899.5(IDH3B):c.788A>G (p.Gln263Arg)

Gene: IDH3B (isocitrate dehydrogenase (NAD(+)) 3 non-catalytic subunit beta; minus strand). Cytogenetic location: 20p13.
Variant type: single nucleotide variant.
Coding change: c.788A>G on transcript NM_006899.5 (MANE Select); coding-DNA position 788, A replaced by G.
Protein change: p.Gln263Arg; replaces glutamine 263 with arginine.
Molecular consequence: missense variant. On other transcripts: non-coding transcript variant (1).
Genome position (GRCh38, 1-based): chr20:2,660,157, T>C on the plus strand (A>G on the coding strand, the complement: IDH3B is on the minus strand). VCF-style: chr20-2660157-T-C. GRCh37 (hg19) VCF-style: chr20-2640803-T-C.
Other names: c.788A>G, p.Gln263Arg (NM_001258384.3, NM_001330763.2, NM_174855.4); short protein forms Q263R.
Identifiers: ClinVar variation 1525936 (VCV001525936.8), dbSNP rs763344876, ClinGen allele CA9735170.
Genomic context (GRCh38, chr20:2,660,157, plus strand): 5'-CCAGCAGCCAGATTGTCAATAATGTTCCCATAGAGATTGGGCATCACAAGCACATCAAAC[T>C]GGTAAGGATTCTGCACCAGCTAGAGGGTGAGATGCAGGCATGAAGTAAATTCCACTCCCC-3'
Protein context (NP_008830.2, residues 253-273): CCMQLVQNPY[Gln263Arg]FDVLVMPNLY